The following is an entry in ClinVar:

NM_001943.5(DSG2):c.3175T>A (p.Ser1059Thr)

Genes: DSG2 (desmoglein 2; plus strand), DSG2-AS1 (DSG2 antisense RNA 1; minus strand). Cytogenetic location: 18q12.1.
Variant type: single nucleotide variant.
Coding change: c.3175T>A on transcript NM_001943.5 (MANE Select); coding-DNA position 3175, T replaced by A.
Protein change: p.Ser1059Thr; replaces serine 1059 with threonine.
Molecular consequence: missense variant.
Genome position (GRCh38, 1-based): chr18:31,546,561, T>A. VCF-style: chr18-31546561-T-A. GRCh37 (hg19) VCF-style: chr18-29126524-T-A.
Other names: short protein forms S1059T.
Identifiers: ClinVar variation 179429 (VCV000179429.27), dbSNP rs201786158, ClinGen allele CA022011.
Genomic context (GRCh38, chr18:31,546,561, plus strand): 5'-GCAGTAGGACAGAATGTGACAGTGACAGAAAGAGTTCTAGCACCTGCTTCCACTCTGCAA[T>A]CCAGTTACCAGATTCCCACTGAAAATTCTATGACGGCTAGGAACACCACGGTGTCTGGAG-3'
Protein context (NP_001934.2, residues 1049-1069): RVLAPASTLQ[Ser1059Thr]SYQIPTENSM

ClinVar aggregate classification (germline): Conflicting classifications of pathogenicity. Review status: criteria provided, conflicting classifications (1 of 4 stars). 11 submissions from 11 submitters: Uncertain significance (2); Benign (1); Likely benign (8). Last evaluated 2026-09-17.

Conditions:
DSG2-related disorder. Also called: DSG2-related condition.
Cardiovascular phenotype. Identifiers: MedGen CN230736.
Arrhythmogenic right ventricular cardiomyopathy (ARVD). Also called: Cardiomyopathy, ARVC; Arrhythmogenic right ventricular dysplasia; Arrhythmogenic Right Ventricular Cardiomyopathy (ARVC); Arrhythmogenic cardiomyopathy. Identifiers: Orphanet 247, MedGen C0349788, MeSH D019571, MONDO:0016587. Disease mechanism: loss of function. Inheritance: Various modes of inheritance.
Cardiomyopathy (CMYO). Also called: Cardiomyopathies. Identifiers: Orphanet 167848, MedGen C0878544, MONDO:0004994, HP:0001638. Inheritance: Various modes of inheritance.
Arrhythmogenic right ventricular dysplasia 10. Also called: Arrhythmogenic right ventricular dysplasia/cardiomyopathy, type 10; Arrhythmogenic Right Ventricular Dysplasia/Cardiomyopathy10; ARRHYTHMOGENIC RIGHT VENTRICULAR DYSPLASIA, FAMILIAL, 10. Identifiers: MedGen C1857777, MONDO:0012434, OMIM 610193.

Allele frequency attached by ClinVar (database versions not stated): gnomAD below 0.00001 and 0.00010; TOPMed 0.00001; gnomAD exomes 0.00014 and 0.00025; ExAC 0.00028; 1000 Genomes Project 0.00140; 1000 Genomes Project 30x 0.00141.
gnomAD v4.1: 223 of 1,614,132 alleles (0.014%); highest among the groups gnomAD compares: South Asian, 0.22%; no homozygotes.

Submissions (11):

PreventionGenetics, part of Exact Sciences
Classification: Likely benign for DSG2-related condition. Last evaluated: 2026-09-17. Review status: criteria provided, single submitter. Criteria: ACMG Guidelines, 2015. Collection method: clinical testing. Allele origin: germline.
Comment: This variant is classified as likely benign based on ACMG/AMP sequence variant interpretation guidelines (Richards et al. 2015 PMID: 25741868, with internal and published modifications).

Women's Health and Genetics/Laboratory Corporation of America, LabCorp
Classification: Likely benign. Last evaluated: 2025-11-25. Review status: criteria provided, single submitter. Criteria: LabCorp Variant Classification Summary - May 2015. Collection method: clinical testing. Allele origin: germline.
Comment: Variant summary: DSG2 c.3175T>A (p.Ser1059Thr) results in a conservative amino acid change in the encoded protein sequence. Algorithms developed to predict the effect of missense changes on protein structure and function all suggest that this variant is likely to be tolerated. The variant allele was found at a frequency of 0.00025 in 249448 control chromosomes. The observed variant frequency exceeds the estimated maximal expected allele frequency for disease-causing variants in DSG2. c.3175T>A has been observed in individual(s) affected with Arrhythmogenic right ventricular cardiomyopathy without strong evidence for causality (Sen-Chowdhry_2007). These report(s) do not provide unequivocal conclusions about association of the variant with Cardiomyopathy. To our knowledge, no experimental evidence demonstrating an impact on protein function has been reported. The following publication has been ascertained in the context of this evaluation (PMID: 17372169). ClinVar contains an entry for this variant (Variation ID: 179429). Based on the evidence outlined above, the variant was classified as likely benign.

Labcorp Genetics (formerly Invitae), Labcorp
Classification: Likely benign for Arrhythmogenic right ventricular dysplasia 10. Last evaluated: 2025-08-13. Review status: criteria provided, single submitter. Criteria: Invitae Variant Classification Sherloc (09022015). Collection method: clinical testing. Allele origin: germline.

Blueprint Genetics
Classification: Likely benign. Last evaluated: 2024-09-24. Review status: criteria provided, single submitter. Criteria: ACMG Guidelines, 2015. Collection method: clinical testing. Allele origin: germline.

Revvity Omics, Revvity
Classification: Likely benign. Last evaluated: 2023-11-01. Review status: criteria provided, single submitter. Criteria: ACMG Guidelines, 2015. Collection method: clinical testing. Allele origin: germline.

GeneDx
Classification: Likely benign. Last evaluated: 2020-12-31. Review status: criteria provided, single submitter. Criteria: GeneDx Variant Classification Process June 2021. Collection method: clinical testing. Allele origin: germline. Affected: yes.
Comment: This variant is associated with the following publications: (PMID: 17372169, 23861362)

Ambry Genetics
Classification: Likely benign for Cardiovascular phenotype. Last evaluated: 2019-12-19. Review status: criteria provided, single submitter. Criteria: Ambry Variant Classification Scheme 2023. Collection method: clinical testing. Allele origin: germline.

Color Diagnostics, LLC DBA Color Health
Classification: Likely benign for Cardiomyopathy. Last evaluated: 2018-06-26. Review status: criteria provided, single submitter. Criteria: ACMG Guidelines, 2015. Collection method: clinical testing. Allele origin: germline.

CHEO Genetics Diagnostic Laboratory, Children's Hospital of Eastern Ontario
Classification: Benign for Cardiomyopathy. Last evaluated: 2017-11-28. Review status: criteria provided, single submitter. Criteria: ACMG Guidelines, 2015. Collection method: clinical testing. Allele origin: germline.

Laboratory for Molecular Medicine, Mass General Brigham Personalized Medicine
Classification: Uncertain significance. Last evaluated: 2014-08-27. Review status: criteria provided, single submitter. Criteria: LMM Criteria. Collection method: clinical testing. Allele origin: germline. Observed: 2 variant alleles.
Comment: It ha s also been identified in 1/1740 chromosomes by the ClinSeq project (Ng 2013, db SNP rs201786158). Computational prediction tools and conservation analysis sugge st that this variant may not impact the protein, though this information is not predictive enough to rule out pathogenicity. In summary, the clinical significan ce of the Ser1059Thr variant is uncertain.

Biesecker Lab/Clinical Genomics Section, National Institutes of Health
Classification: Uncertain significance for Cardiomyopathy, arrhythmogenic right ventricular. Last evaluated: 2013-06-24. Review status: criteria provided, single submitter. Criteria: Ng et al. (Circ Cardiovasc Genet. 2013). Collection method: research. Allele origin: unknown. Observed: 1 variant allele. Study: ClinSeq.
Comment: The study set was not selected for affection status in relation to any cancer. Pathogenicity categories were based on literature curation. See Pubmed ID:23861362 for details.

Medical sequencing

Literature cited by the submitters: PubMed 17372169 (cited by 3 submitters); PubMed 23861362 (cited by Laboratory for Molecular Medicine, Mass General Brigham Personalized Medicine).